The following is an entry in ClinVar:

ClinVar aggregate classification (germline): Uncertain significance (1 of 4 stars; one submission).

Conditions:
Glanzmann thrombasthenia. Also called: BLEEDING DISORDER, PLATELET-TYPE, 2; THROMBASTHENIA OF GLANZMANN AND NAEGELI; PLATELET GLYCOPROTEIN IIb-IIIa DEFICIENCY; Glanzmann's thrombasthenia; Thrombasthenia. Identifiers: Orphanet 849, MedGen C0040015, MONDO:0100326.

Allele frequency attached by ClinVar (database versions not stated): gnomAD exomes below 0.00001; TOPMed below 0.00001.
gnomAD v4.1: 4 of 1,614,058 alleles (0.00025%); highest among the groups gnomAD compares: Non-Finnish European, 0.00034%; no homozygotes.

Submission:

Labcorp Genetics (formerly Invitae), Labcorp
Classification: Uncertain significance for Glanzmann thrombasthenia. Last evaluated: 2022-03-21. Review status: criteria provided, single submitter. Criteria: Invitae Variant Classification Sherloc (09022015). Collection method: clinical testing. Allele origin: germline.
Comment: This variant has not been reported in the literature in individuals affected with ITGA2B-related conditions. Algorithms developed to predict the effect of sequence changes on RNA splicing suggest that this variant may create or strengthen a splice site. In summary, the available evidence is currently insufficient to determine the role of this variant in disease. Therefore, it has been classified as a Variant of Uncertain Significance. This variant is not present in population databases (gnomAD no frequency). This sequence change falls in intron 22 of the ITGA2B gene. It does not directly change the encoded amino acid sequence of the ITGA2B protein.

NM_000419.5(ITGA2B):c.2268-9C>G

Gene: ITGA2B (integrin subunit alpha 2b; minus strand). Cytogenetic location: 17q21.31.
Variant type: single nucleotide variant.
Coding change: c.2268-9C>G on transcript NM_000419.5 (MANE Select); 9 bases into the intron before coding-DNA position 2268, C replaced by G.
Molecular consequence: intron variant.
Genome position (GRCh38, 1-based): chr17:44,376,397, G>C on the plus strand (C>G on the coding strand, the complement: ITGA2B is on the minus strand). VCF-style: chr17-44376397-G-C. GRCh37 (hg19) VCF-style: chr17-42453765-G-C.
Identifiers: ClinVar variation 2169024 (VCV002169024.4), dbSNP rs2048545013, ClinGen allele CA2261366249.